The following is an entry in ClinVar:

ClinVar aggregate classification (germline): Conflicting classifications of pathogenicity. Review status: criteria provided, conflicting classifications (1 of 4 stars). 8 submissions from 8 submitters: Uncertain significance (1); Benign (4); Likely benign (3). Last evaluated 2025-12-15.

Conditions:
Spinocerebellar ataxia type 11 (SCA11). Identifiers: Orphanet 98767, MedGen C1858351, MONDO:0011464, OMIM 604432.
Inborn genetic diseases. Identifiers: MedGen C0950123, MeSH D030342.

Allele frequency attached by ClinVar (database versions not stated): gnomAD exomes 0.00028 and 0.00073; ExAC 0.00078; ESP Exome Variant Server 0.00184; gnomAD 0.00250 and 0.00267; 1000 Genomes Project 30x 0.00265; 1000 Genomes Project 0.00280; TOPMed 0.00287.
gnomAD v4.1: 812 of 1,613,978 alleles (0.05%); highest among the groups gnomAD compares: African/African-American, 0.88%; 2 homozygotes.

Submissions (8):

Labcorp Genetics (formerly Invitae), Labcorp
Classification: Benign. Last evaluated: 2025-12-15. Review status: criteria provided, single submitter. Criteria: Invitae Variant Classification Sherloc (09022015). Collection method: clinical testing. Allele origin: germline.

CeGaT Center for Human Genetics Tuebingen
Classification: Likely benign. Last evaluated: 2025-11-01. Review status: criteria provided, single submitter. Criteria: CeGaT Center For Human Genetics Tuebingen Variant Classification Criteria Version 2. Collection method: clinical testing. Allele origin: germline. Affected: yes. Observed: 1 variant allele.
Comment: TTBK2: BP4, BS1

Mayo Clinic Laboratories, Mayo Clinic
Classification: Likely benign. Last evaluated: 2025-05-05. Review status: criteria provided, single submitter. Criteria: ACMG Guidelines, 2015. Collection method: clinical testing. Allele origin: germline. Observed: 1 variant allele.
Comment: BS1, BP4_moderate

Blueprint Genetics
Classification: Likely benign. Last evaluated: 2024-11-25. Review status: criteria provided, single submitter. Criteria: ACMG Guidelines, 2015. Collection method: clinical testing. Allele origin: germline.

Ambry Genetics
Classification: Uncertain significance for Inborn genetic diseases. Last evaluated: 2024-08-28. Review status: criteria provided, single submitter. Criteria: Ambry Variant Classification Scheme 2023. Collection method: clinical testing. Allele origin: germline.

Athena Diagnostics
Classification: Benign. Last evaluated: 2024-08-21. Review status: criteria provided, single submitter. Criteria: Athena Diagnostics Criteria. Collection method: clinical testing. Allele origin: unknown.

Illumina Laboratory Services, Illumina
Classification: Benign for Spinocerebellar ataxia type 11. Last evaluated: 2018-01-13. Review status: criteria provided, single submitter. Criteria: ICSL Variant Classification Criteria 13 December 2019. Collection method: clinical testing. Allele origin: germline.
Comment: This variant was observed in the ICSL laboratory as part of a predisposition screen in an ostensibly healthy population. It had not been previously curated by ICSL or reported in the Human Gene Mutation Database (HGMD: prior to June 1st, 2018), and was therefore a candidate for classification through an automated scoring system. Utilizing variant allele frequency, disease prevalence and penetrance estimates, and inheritance mode, an automated score was calculated to assess if this variant is too frequent to cause the disease. Based on the score and internal cut-off values, a variant classified as benign is not then subjected to further curation. The score for this variant resulted in a classification of benign for this disease.

Breakthrough Genomics
Classification: Benign. Review status: criteria provided, single submitter. Criteria: ACMG Guidelines, 2015. Collection method: not provided. Allele origin: germline. Inheritance: Autosomal dominant inheritance. Affected: yes.

NM_173500.4(TTBK2):c.2210T>C (p.Ile737Thr)

Gene: TTBK2 (tau tubulin kinase 2; minus strand). Cytogenetic location: 15q15.2.
Variant type: single nucleotide variant.
Coding change: c.2210T>C on transcript NM_173500.4 (MANE Select); coding-DNA position 2210, T replaced by C.
Protein change: p.Ile737Thr; replaces isoleucine 737 with threonine.
Molecular consequence: missense variant.
Genome position (GRCh38, 1-based): chr15:42,753,036, A>G on the plus strand (T>C on the coding strand, the complement: TTBK2 is on the minus strand). VCF-style: chr15-42753036-A-G. GRCh37 (hg19) VCF-style: chr15-43045234-A-G.
Other names: p.Ile737Thr; short protein forms I737T.
Identifiers: ClinVar variation 315988 (VCV000315988.26), dbSNP rs146515654, ClinGen allele CA7516766.
Genomic context (GRCh38, chr15:42,753,036, plus strand): 5'-TTTGGTCCCAGGTCTTGAGATTTGTTACTTTCTCTAATGTTGGGTAACATGTCATGACCA[A>G]TGTGATCTATCTGAAGCCCCAAATCTGTTCTGCTTCCTCCACTAGGAGGTTCACCCTCTG-3'
Protein context (NP_775771.3, residues 727-747): RTDLGLQIDH[Ile737Thr]GHDMLPNIRE